The following is an entry in ClinVar:

NM_001374736.1(DST):c.16765A>G (p.Lys5589Glu)

Gene: DST (dystonin; minus strand). Cytogenetic location: 6p12.1.
Variant type: single nucleotide variant.
Coding change: c.16765A>G on transcript NM_001374736.1 (MANE Select); coding-DNA position 16765, A replaced by G.
Protein change: p.Lys5589Glu; replaces lysine 5589 with glutamic acid.
Molecular consequence: missense variant.
Genome position (GRCh38, 1-based): chr6:56,536,784, T>C on the plus strand (A>G on the coding strand, the complement: DST is on the minus strand). VCF-style: chr6-56536784-T-C. GRCh37 (hg19) VCF-style: chr6-56401582-T-C.
Other names: c.10408A>G, p.Lys3470Glu (NM_001144769.5); c.9994A>G, p.Lys3332Glu (NM_001144770.2); c.16765A>G, p.Lys5589Glu (NM_001374722.1); c.16132A>G, p.Lys5378Glu (NM_001374729.1); c.9874A>G, p.Lys3292Glu (NM_001374730.1, NM_001386100.1, NM_183380.4); c.16792A>G, p.Lys5598Glu (NM_001374734.1); c.8896A>G, p.Lys2966Glu (NM_015548.5); short protein forms K3332E, K5589E, K5598E, K5378E, K3292E, K2966E, K3470E.
Identifiers: ClinVar variation 1773898 (VCV001773898.2), dbSNP rs777089422, ClinGen allele CA3867603.

ClinVar aggregate classification (germline): Uncertain significance (1 of 4 stars; one submission).

Conditions:
Inborn genetic diseases. Identifiers: MedGen C0950123, MeSH D030342.

Allele frequency attached by ClinVar (database versions not stated): TOPMed below 0.00001; ExAC 0.00001; gnomAD 0.00001; gnomAD exomes 0.00001.
gnomAD v4.1: 7 of 1,551,656 alleles (0.00045%); highest among the groups gnomAD compares: African/African-American, 0.0014%; no homozygotes.

Submission:

Ambry Genetics
Classification: Uncertain significance for Inborn genetic diseases. Last evaluated: 2021-10-18. Review status: criteria provided, single submitter. Criteria: Ambry Variant Classification Scheme 2023. Collection method: clinical testing. Allele origin: germline.
Comment: The p.K3470E variant (also known as c.10408A>G), located in coding exon 56 of the DST gene, results from an A to G substitution at nucleotide position 10408. The lysine at codon 3470 is replaced by glutamic acid, an amino acid with similar properties. This amino acid position is highly conserved in available vertebrate species. In addition, the in silico prediction for this alteration is inconclusive. Since supporting evidence is limited at this time, the clinical significance of this alteration remains unclear.